The following is an entry in ClinVar:

ClinVar aggregate classification (germline): Uncertain significance (1 of 4 stars; one submission).

Submission:

GeneDx
Classification: Uncertain significance. Last evaluated: 2025-09-04. Review status: criteria provided, single submitter. Criteria: GeneDx Variant Classification Process June 2021. Collection method: clinical testing. Allele origin: germline. Affected: yes.
Comment: Not observed at significant frequency in large population cohorts (gnomAD); In silico analysis supports that this missense variant has a deleterious effect on protein structure/function; Has not been previously published as pathogenic or benign to our knowledge

NM_000128.4(F11):c.1826C>A (p.Thr609Asn)

Genes: F11 (coagulation factor XI; plus strand), F11-AS1 (F11 antisense RNA 1; minus strand). Cytogenetic location: 4q35.2.
Variant type: single nucleotide variant.
Coding change: c.1826C>A on transcript NM_000128.4 (MANE Select); coding-DNA position 1826, C replaced by A.
Protein change: p.Thr609Asn; replaces threonine 609 with asparagine.
Molecular consequence: missense variant. On other transcripts: non-coding transcript variant (1).
Genome position (GRCh38, 1-based): chr4:186,288,562, C>A. VCF-style: chr4-186288562-C-A. GRCh37 (hg19) VCF-style: chr4-187209716-C-A.
Other names: c.1778C>A, p.Thr593Asn (NM_001440590.1); c.1730C>A, p.Thr577Asn (NM_001440593.1); c.1682C>A, p.Thr561Asn (NM_001440596.1); c.1556C>A, p.Thr519Asn (NM_001440605.1); c.1508C>A, p.Thr503Asn (NM_001440606.1); c.1460C>A, p.Thr487Asn (NM_001440607.1); c.1412C>A, p.Thr471Asn (NM_001440608.1); short protein forms T471N, T487N, T503N, T519N, T561N, T577N, T593N, T609N.
Identifiers: ClinVar variation 4813226 (VCV004813226.1).
Genomic context (GRCh38, chr4:186,288,562, plus strand): 5'-TGGTAGGCATCACGAGCTGGGGCGAAGGCTGTGCTCAAAGGGAGCGGCCAGGTGTTTACA[C>A]CAACGTGGTCGAGTACGTGGACTGGATTCTGGAGAAAACTCAAGCAGTGTGAATGGGTTC-3'
Protein context (NP_000119.1, residues 599-619): CAQRERPGVY[Thr609Asn]NVVEYVDWIL